The following is an entry in ClinVar:

NM_001561.6(TNFRSF9):c.401G>A (p.Arg134Gln)

Gene: TNFRSF9 (TNF receptor superfamily member 9; minus strand). Cytogenetic location: 1p36.23.
Variant type: single nucleotide variant.
Coding change: c.401G>A on transcript NM_001561.6 (MANE Select); coding-DNA position 401, G replaced by A.
Protein change: p.Arg134Gln; replaces arginine 134 with glutamine.
Molecular consequence: missense variant.
Genome position (GRCh38, 1-based): chr1:7,937,702, C>T on the plus strand (G>A on the coding strand, the complement: TNFRSF9 is on the minus strand). VCF-style: chr1-7937702-C-T. GRCh37 (hg19) VCF-style: chr1-7997762-C-T.
Other names: p.Arg134Gln; c.401G>A (NM_001561.5); short protein forms R134Q.
Identifiers: ClinVar variation 1446376 (VCV001446376.7), dbSNP rs186372948, ClinGen allele CA569240.

ClinVar aggregate classification (germline): Conflicting classifications of pathogenicity. Review status: criteria provided, conflicting classifications (1 of 4 stars). 4 submissions from 4 submitters: Uncertain significance (3); Likely benign (1). Last evaluated 2025-11-14.

Conditions:
Inborn genetic diseases. Identifiers: MedGen C0950123, MeSH D030342.

Allele frequency attached by ClinVar (database versions not stated): gnomAD exomes 0.00006; ExAC 0.00007; ESP Exome Variant Server 0.00008; gnomAD 0.00013 and 0.00014; 1000 Genomes Project 30x 0.00016; TOPMed 0.00019; 1000 Genomes Project 0.00020.
gnomAD v4.1: 51 of 1,613,330 alleles (0.0032%); highest among the groups gnomAD compares: African/African-American, 0.044%; no homozygotes.

Submissions (4):

Mayo Clinic Laboratories, Mayo Clinic
Classification: Uncertain significance. Last evaluated: 2025-11-14. Review status: criteria provided, single submitter. Criteria: ACMG Guidelines, 2015. Collection method: clinical testing. Allele origin: germline. Observed: 1 variant allele.
Comment: BP4

Labcorp Genetics (formerly Invitae), Labcorp
Classification: Uncertain significance. Last evaluated: 2025-10-19. Review status: criteria provided, single submitter. Criteria: Invitae Variant Classification Sherloc (09022015). Collection method: clinical testing. Allele origin: germline.
Comment: This sequence change replaces arginine, which is basic and polar, with glutamine, which is neutral and polar, at codon 134 of the TNFRSF9 protein (p.Arg134Gln). This variant is present in population databases (rs186372948, gnomAD 0.05%). This variant has not been reported in the literature in individuals affected with TNFRSF9-related conditions. ClinVar contains an entry for this variant (Variation ID: 1446376). An algorithm developed to predict the effect of missense changes on protein structure and function outputs the following: PolyPhen-2: "Benign". The glutamine amino acid residue is found in multiple mammalian species, which suggests that this missense change does not adversely affect protein function. In summary, the available evidence is currently insufficient to determine the role of this variant in disease. Therefore, it has been classified as a Variant of Uncertain Significance.

Blueprint Genetics
Classification: Likely benign. Last evaluated: 2022-07-25. Review status: criteria provided, single submitter. Criteria: ACMG Guidelines, 2015. Collection method: clinical testing. Allele origin: germline.

Ambry Genetics
Classification: Uncertain significance for Inborn genetic diseases. Last evaluated: 2021-07-27. Review status: criteria provided, single submitter. Criteria: Ambry Variant Classification Scheme 2023. Collection method: clinical testing. Allele origin: germline.